The following is an entry in ClinVar:

NM_198578.4(LRRK2):c.233A>G (p.Gln78Arg)

Gene: LRRK2 (leucine rich repeat kinase 2; plus strand). Cytogenetic location: 12q12.
Variant type: single nucleotide variant.
Coding change: c.233A>G on transcript NM_198578.4 (MANE Select); coding-DNA position 233, A replaced by G.
Protein change: p.Gln78Arg; replaces glutamine 78 with arginine.
Molecular consequence: missense variant.
Genome position (GRCh38, 1-based): chr12:40,225,636, A>G. VCF-style: chr12-40225636-A-G. GRCh37 (hg19) VCF-style: chr12-40619438-A-G.
Other names: short protein forms Q78R.
Identifiers: ClinVar variation 1789830 (VCV001789830.2), dbSNP rs2499336519, ClinGen allele CA384399500.

ClinVar aggregate classification (germline): Uncertain significance (1 of 4 stars; one submission).

Conditions:
Inborn genetic diseases. Identifiers: MedGen C0950123, MeSH D030342.

Submission:

Ambry Genetics
Classification: Uncertain significance for Inborn genetic diseases. Last evaluated: 2022-04-07. Review status: criteria provided, single submitter. Criteria: Ambry Variant Classification Scheme 2023. Collection method: clinical testing. Allele origin: germline.
Comment: The p.Q78R variant (also known as c.233A>G), located in coding exon 2 of the LRRK2 gene, results from an A to G substitution at nucleotide position 233. The glutamine at codon 78 is replaced by arginine, an amino acid with highly similar properties. This amino acid position is conserved. In addition, the in silico prediction for this alteration is inconclusive. Since supporting evidence is limited at this time, the clinical significance of this alteration remains unclear.